The following is an entry in ClinVar:

ClinVar aggregate classification (germline): Likely pathogenic (1 of 4 stars; one submission).

Conditions:
Multiple congenital anomalies-hypotonia-seizures syndrome 1 (MCAHS1). Also called: GLYCOSYLPHOSPHATIDYLINOSITOL BIOSYNTHESIS DEFECT 3; PIGN-CDG; Congenital disorder of glycosylation due to PIGN deficiency. Identifiers: Orphanet 280633, MedGen C3279775, MONDO:0013563, OMIM 614080.

Submission:

Labcorp Genetics (formerly Invitae), Labcorp
Classification: Likely pathogenic for Multiple congenital anomalies-hypotonia-seizures syndrome 1. Last evaluated: 2023-09-18. Review status: criteria provided, single submitter. Criteria: Invitae Variant Classification Sherloc (09022015). Collection method: clinical testing. Allele origin: germline.
Comment: This sequence change replaces glutamine, which is neutral and polar, with proline, which is neutral and non-polar, at codon 370 of the PIGN protein (p.Gln370Pro). This variant is not present in population databases (gnomAD no frequency). This missense change has been observed in individual(s) with multiple congenital anomalies-hypotonia-seizures syndrome (PMID: 32220244). In at least one individual the data is consistent with being in trans (on the opposite chromosome) from a pathogenic variant. Advanced modeling of protein sequence and biophysical properties (such as structural, functional, and spatial information, amino acid conservation, physicochemical variation, residue mobility, and thermodynamic stability) performed at Invitae indicates that this missense variant is expected to disrupt PIGN protein function. In summary, the currently available evidence indicates that the variant is pathogenic, but additional data are needed to prove that conclusively. Therefore, this variant has been classified as Likely Pathogenic.

Literature cited by the submitters: PubMed 32220244.

NM_176787.5(PIGN):c.1109A>C (p.Gln370Pro)

Gene: PIGN (phosphatidylinositol glycan anchor biosynthesis class N; minus strand). Cytogenetic location: 18q21.33.
Variant type: single nucleotide variant.
Coding change: c.1109A>C on transcript NM_176787.5 (MANE Select); coding-DNA position 1109, A replaced by C.
Protein change: p.Gln370Pro; replaces glutamine 370 with proline.
Molecular consequence: missense variant.
Genome position (GRCh38, 1-based): chr18:62,138,990, T>G on the plus strand (A>C on the coding strand, the complement: PIGN is on the minus strand). VCF-style: chr18-62138990-T-G. GRCh37 (hg19) VCF-style: chr18-59806223-T-G.
Other names: c.1109A>C, p.Gln370Pro (NM_012327.6); short protein forms Q370P.
Identifiers: ClinVar variation 2972897 (VCV002972897.3), dbSNP rs375024927, ClinGen allele CA402607708.